The following is an entry in ClinVar:

NM_001923.5(DDB1):c.1231T>C (p.Trp411Arg)

Gene: DDB1 (damage specific DNA binding protein 1; minus strand). Cytogenetic location: 11q12.2.
Variant type: single nucleotide variant.
Coding change: c.1231T>C on transcript NM_001923.5 (MANE Select); coding-DNA position 1231, T replaced by C.
Protein change: p.Trp411Arg; replaces tryptophan 411 with arginine.
Molecular consequence: missense variant.
Genome position (GRCh38, 1-based): chr11:61,316,562, A>G on the plus strand (T>C on the coding strand, the complement: DDB1 is on the minus strand). VCF-style: chr11-61316562-A-G. GRCh37 (hg19) VCF-style: chr11-61084034-A-G.
Other names: short protein forms W411R.
Identifiers: ClinVar variation 4850105 (VCV004850105.5).

ClinVar aggregate classification (germline): Conflicting classifications of pathogenicity. Review status: criteria provided, conflicting classifications (1 of 4 stars). 4 submissions from 4 submitters: Uncertain significance (3); Likely benign (1). Last evaluated 2026-08-06.

Conditions:
White-Kernohan syndrome. Also called: GLOBAL DEVELOPMENTAL DELAY, HYPOTONIA, AND CHARACTERISTIC FACIAL FEATURES. Identifiers: MedGen C5543635, MONDO:0859169, OMIM 619426.

Submissions (4):

OLLIN Analises Genomicas, OLLIN
Classification: Uncertain significance. Last evaluated: 2026-08-06. Review status: criteria provided, single submitter. Criteria: ACMG Guidelines 2015 PMID 25741868. Collection method: clinical testing. Allele origin: germline.
Comment: This missense variant, located in exon 11 (of 27), is absent from gnomAD and has not been identified in the literature. However, it has been reported in ClinVar (accession VCV004850105.2). In silico analysis predicts that this variant has a deleterious effect. According to the currently available evidence, this variant has been classified as uncertain significance (PM2_P, PP3_M).

Centre for Medical Genetics,  Mumbai
Classification: Likely benign for White-Kernohan syndrome. Last evaluated: 2026-03-30. Review status: criteria provided, single submitter. Criteria: ACMG Guidelines, 2015. Collection method: provider interpretation. Allele origin: germline. Inheritance: Autosomal dominant inheritance. Affected: no. Observed: 1 variant allele, 1 heterozygote.
Comment: The variant satisfies PM2 criteria; Extremely low frequency in gnomAD population databases. The variant satisfies PP3 criteria; For a missense or a splicing region variant, computational prediction tools unanimously support a deleterious effect on the gene. The variant satisfies PP2 criteria; Missense variant in a gene with low rate of benign missense mutations and for which missense mutation is a common mechanism of a disease. However, the variant satisfies BS2 criteria.

Dasa
Classification: Uncertain significance. Last evaluated: 2026-03-27. Review status: criteria provided, single submitter. Criteria: DASA Assertion Criteria. Collection method: clinical testing. Allele origin: germline.
Comment: NM_001923.5(DDB1):c.1231T>C (p.Trp411Arg) is a missense variant that results in the substitution of tryptophan with arginine. This variant is rare in population databases. Computational prediction algorithms are consistent with a deleterious effect. The currently available literature and clinical evidence are not sufficient to establish a definitive association between this variant and the reported condition. Therefore, this variant is classified as a variant of uncertain significance.

Blueprint Genetics
Classification: Uncertain significance. Last evaluated: 2023-02-21. Review status: criteria provided, single submitter. Criteria: ACMG Guidelines, 2015. Collection method: clinical testing. Allele origin: germline.

Literature cited by the submitters: PubMed 33743206 (cited by Centre for Medical Genetics,  Mumbai).